The following is an entry in ClinVar:

NM_002397.5(MEF2C):c.1078_1079delinsAG (p.Pro360Arg)

Gene: MEF2C (myocyte enhancer factor 2C; minus strand). Cytogenetic location: 5q14.3.
Variant type: Indel.
Coding change: c.1078_1079delinsAG on transcript NM_002397.5 (MANE Select); coding-DNA positions 1078 to 1079, CC replaced by AG.
Protein change: p.Pro360Arg; replaces proline 360 with arginine.
Molecular consequence: missense variant.
Genome position (GRCh38, 1-based): chr5:88,728,514-88,728,515, GG replaced by CT on the plus strand (CC replaced by AG on the coding strand, the reverse complement: MEF2C is on the minus strand). VCF-style: chr5-88728514-GG-CT. GRCh37 (hg19) VCF-style: chr5-88024331-GG-CT.
Other names: c.1048_1049delinsAG, p.Pro350Arg (NM_001131005.2, NM_001364343.2, NM_001364352.2); c.1108_1109delinsAG, p.Pro370Arg (NM_001193347.1, NM_001364338.2); c.910_911delinsAG, p.Pro304Arg (NM_001193348.1); c.934_935delinsAG, p.Pro312Arg (NM_001193349.3, NM_001364332.2, NM_001364344.2 and 2 more transcripts); c.1078_1079delinsAG, p.Pro360Arg (NM_001193350.2, NM_001363581.2, NM_001364329.2 and 9 more transcripts); c.1054_1055delinsAG, p.Pro352Arg (NM_001308002.3, NM_001364333.2, NM_001364339.2 and 6 more transcripts); c.700_701delinsAG, p.Pro234Arg (NM_001364353.2, NM_001364356.2); c.628_629delinsAG, p.Pro210Arg (NM_001364357.2); short protein forms P210R, P234R, P304R, P312R, P350R, P352R, P360R, P370R.
Identifiers: ClinVar variation 3363582 (VCV003363582.1).

ClinVar aggregate classification (germline): Uncertain significance (1 of 4 stars; one submission).

Submission:

GeneDx
Classification: Uncertain significance. Last evaluated: 2023-10-26. Review status: criteria provided, single submitter. Criteria: GeneDx Variant Classification Process June 2021. Collection method: clinical testing. Allele origin: germline. Affected: yes.
Comment: Not observed at significant frequency in large population cohorts (gnomAD); In silico analysis supports a deleterious effect on protein structure/function; Has not been previously published as pathogenic or benign to our knowledge